The following is an entry in ClinVar:

NM_001366207.1(DLG1):c.2047C>T (p.Arg683Cys)

Gene: DLG1 (discs large MAGUK scaffold protein 1; minus strand). Cytogenetic location: 3q29.
Variant type: single nucleotide variant.
Coding change: c.2047C>T on transcript NM_001366207.1 (MANE Select); coding-DNA position 2047, C replaced by T.
Protein change: p.Arg683Cys; replaces arginine 683 with cysteine.
Molecular consequence: missense variant. On other transcripts: synonymous variant (5), non-coding transcript variant (4).
Genome position (GRCh38, 1-based): chr3:197,069,219, G>A on the plus strand (C>T on the coding strand, the complement: DLG1 is on the minus strand). VCF-style: chr3-197069219-G-A. GRCh37 (hg19) VCF-style: chr3-196796090-G-A.
Other names: c.2080C>T, p.Arg694Cys (NM_001098424.1, NM_001290983.2, NM_001366218.1); c.2044C>T, p.Arg682Cys (NM_001204386.1, NM_001366205.1, NM_001366213.1); c.1732C>T, p.Leu578= (NM_001204387.2); c.1732C>T, p.Arg578Cys (NM_001204388.2); c.2047C>T, p.Arg683Cys (NM_001363865.1, NM_001366210.1, NM_001366215.1); c.1927C>T, p.Leu643= (NM_001366203.1); c.1981C>T, p.Arg661Cys (NM_001366204.1, NM_001366208.1, NM_001366209.1 and 1 more transcripts); c.1993C>T, p.Arg665Cys (NM_001366206.1); and 7 more; short protein forms R578C, R611C, R643C, R661C, R664C, R665C, R682C, R683C.
Identifiers: ClinVar variation 3045357 (VCV003045357.2), dbSNP rs74674649, ClinGen allele CA2785274.

ClinVar aggregate classification (germline): Likely benign (0 of 4 stars; one submission).

Conditions:
DLG1-related disorder. Also called: DLG1-related condition.

Allele frequency attached by ClinVar (database versions not stated): gnomAD 0.00081; gnomAD exomes 0.00102; ExAC 0.00109; TOPMed 0.00112; ESP Exome Variant Server 0.00123.

Submission:

PreventionGenetics, part of Exact Sciences
Classification: Likely benign for DLG1-related condition. Last evaluated: 2022-02-07. Review status: no assertion criteria provided. Collection method: clinical testing. Allele origin: germline.
Comment: This variant is classified as likely benign based on ACMG/AMP sequence variant interpretation guidelines (Richards et al. 2015 PMID: 25741868, with internal and published modifications).